The following is an entry in ClinVar:

ClinVar aggregate classification (germline): Likely benign. Review status: criteria provided, multiple submitters, no conflicts (2 of 4 stars). 3 submissions from 3 submitters: Likely benign (2). 1 of the submissions does not count toward it. Last evaluated 2024-10-16.

Conditions:
NUP188-related disorder. Also called: NUP188-related condition.

Allele frequency attached by ClinVar (database versions not stated): ExAC 0.00033; gnomAD 0.00089; ESP Exome Variant Server 0.00100; TOPMed 0.00108; 1000 Genomes Project 0.00160; 1000 Genomes Project 30x 0.00203.
gnomAD v4.1: 344 of 1,613,894 alleles (0.021%); highest among the groups gnomAD compares: African/African-American, 0.31%; 2 homozygotes.

Submissions (3):

Blueprint Genetics
Classification: Likely benign. Last evaluated: 2024-10-16. Review status: criteria provided, single submitter. Criteria: ACMG Guidelines, 2015. Collection method: clinical testing. Allele origin: germline.

CeGaT Center for Human Genetics Tuebingen
Classification: Likely benign. Last evaluated: 2023-04-01. Review status: criteria provided, single submitter. Criteria: CeGaT Center For Human Genetics Tuebingen Variant Classification Criteria Version 2. Collection method: clinical testing. Allele origin: germline. Affected: yes. Observed: 3 variant alleles.
Comment: NUP188: BP4, BP7

PreventionGenetics, part of Exact Sciences
Classification: Likely benign for NUP188-related condition. Last evaluated: 2019-02-26. Review status: no assertion criteria provided. Collection method: clinical testing. Allele origin: germline. Not counted in ClinVar's aggregate classification.
Comment: This variant is classified as likely benign based on ACMG/AMP sequence variant interpretation guidelines (Richards et al. 2015 PMID: 25741868, with internal and published modifications).

NM_015354.3(NUP188):c.3255C>T (p.His1085=)

Gene: NUP188 (nucleoporin 188; plus strand). Cytogenetic location: 9q34.11.
Variant type: single nucleotide variant.
Coding change: c.3255C>T on transcript NM_015354.3 (MANE Select); coding-DNA position 3255, C replaced by T.
Protein change: p.His1085=; no amino-acid change (histidine 1085 retained).
Molecular consequence: synonymous variant.
Genome position (GRCh38, 1-based): chr9:128,995,418, C>T. VCF-style: chr9-128995418-C-T. GRCh37 (hg19) VCF-style: chr9-131757697-C-T.
Other names: c.3255C>T (NM_015354.2).
Identifiers: ClinVar variation 2659559 (VCV002659559.26), dbSNP rs115625120, ClinGen allele CA5272900.
Genomic context (GRCh38, chr9:128,995,418, plus strand): 5'-ATTTTCCATCGAGAAACGCTTTGCCTACTGGTCAGGGTATGTCAAGTCATTGGCAGTTCA[C>T]GTGGCCGAAACAGAAGGCAGCAGCTGCACCTCCTTGTTAGAGTACCAGATGCTGGTGTCC-3'
Protein context (NP_056169.1, residues 1075-1095): WSGYVKSLAV[His1085=]VAETEGSSCT